The following is an entry in ClinVar:

NM_000455.5(STK11):c.157G>T (p.Asp53Tyr)

Gene: STK11 (serine/threonine kinase 11; plus strand). Cytogenetic location: 19p13.3.
Variant type: single nucleotide variant.
Coding change: c.157G>T on transcript NM_000455.5 (MANE Select); coding-DNA position 157, G replaced by T.
Protein change: p.Asp53Tyr; replaces aspartic acid 53 with tyrosine.
Molecular consequence: missense variant.
Genome position (GRCh38, 1-based): chr19:1,207,070, G>T. VCF-style: chr19-1207070-G-T. GRCh37 (hg19) VCF-style: chr19-1207069-G-T.
Other names: short protein forms D53Y.
Identifiers: ClinVar variation 492518 (VCV000492518.6), dbSNP rs1555734984, ClinGen allele CA402944098.

ClinVar aggregate classification (germline): Uncertain significance (1 of 4 stars; one submission).

Conditions:
Hereditary cancer-predisposing syndrome. Also called: Hereditary neoplastic syndrome; Tumor predisposition; Hereditary Cancer Syndrome; Neoplastic Syndromes, Hereditary. Identifiers: Orphanet 140162, MedGen C0027672, MeSH D009386, MONDO:0015356.

Submission:

Color Diagnostics, LLC DBA Color Health
Classification: Uncertain significance for Hereditary cancer-predisposing syndrome. Last evaluated: 2023-12-04. Review status: criteria provided, single submitter. Criteria: ACMG Guidelines, 2015. Collection method: clinical testing. Allele origin: germline.
Comment: This missense variant replaces aspartic acid with tyrosine at codon 53 of the STK11 protein. Computational prediction suggests that this variant may have deleterious impact on protein structure and function (internally defined REVEL score threshold >= 0.7, PMID: 27666373). To our knowledge, functional studies have not been reported for this variant. This variant has not been reported in individuals affected with STK11-related disorders in the literature. This variant has not been identified in the general population by the Genome Aggregation Database (gnomAD). The available evidence is insufficient to determine the role of this variant in disease conclusively. Therefore, this variant is classified as a Variant of Uncertain Significance.